The following is an entry in ClinVar:

NM_000400.4(ERCC2):c.1352T>G (p.Phe451Cys)

Gene: ERCC2 (ERCC excision repair 2, TFIIH core complex helicase subunit; minus strand). Cytogenetic location: 19q13.32.
Variant type: single nucleotide variant.
Coding change: c.1352T>G on transcript NM_000400.4 (MANE Select); coding-DNA position 1352, T replaced by G.
Protein change: p.Phe451Cys; replaces phenylalanine 451 with cysteine.
Molecular consequence: missense variant.
Genome position (GRCh38, 1-based): chr19:45,357,499, A>C on the plus strand (T>G on the coding strand, the complement: ERCC2 is on the minus strand). VCF-style: chr19-45357499-A-C. GRCh37 (hg19) VCF-style: chr19-45860757-A-C.
Other names: short protein forms F451C.
Identifiers: ClinVar variation 3276291 (VCV003276291.1).
Genomic context (GRCh38, chr19:45,357,499, plus strand): 5'-TCAGGGACTAGGAGGGGACGGGGAAGGGTCCTTACCCCAGATGTGATGATGACAGACTGG[A>C]AACGCTCAAATACGGGTTTGATGGCCAGCGAGGCGTCCATGCAGCTGGAGAGAGATGAGG-3'
Protein context (NP_000391.1, residues 441-461): SLAIKPVFER[Phe451Cys]QSVIITSGTL

ClinVar aggregate classification (germline): Uncertain significance (1 of 4 stars; one submission).

Conditions:
Inborn genetic diseases. Identifiers: MedGen C0950123, MeSH D030342.

Submission:

Ambry Genetics
Classification: Uncertain significance for Inborn genetic diseases. Last evaluated: 2024-06-22. Review status: criteria provided, single submitter. Criteria: Ambry Variant Classification Scheme 2023. Collection method: clinical testing. Allele origin: germline.
Comment: The p.F451C variant (also known as c.1352T>G), located in coding exon 14 of the ERCC2 gene, results from a T to G substitution at nucleotide position 1352. The phenylalanine at codon 451 is replaced by cysteine, an amino acid with highly dissimilar properties. This amino acid position is conserved. In addition, this alteration is predicted to be deleterious by in silico analysis. Based on the available evidence, the clinical significance of this variant remains unclear.